The following is an entry in ClinVar:

NC_000009.12:g.(?_135775290)_(135788182_?)del

Gene: KCNT1 (potassium sodium-activated channel subfamily T member 1; plus strand). Cytogenetic location: 9q34.3.
Variant type: Deletion.
Identifiers: ClinVar variation 583754 (VCV000583754.11).

ClinVar aggregate classification (germline): Uncertain significance (1 of 4 stars; one submission).

Conditions:
Autosomal dominant nocturnal frontal lobe epilepsy 5. Also called: Epilepsy, nocturnal frontal lobe, 5; CILIARY DYSKINESIA, PRIMARY, 28, WITHOUT SITUS INVERSUS; CILIARY DYSKINESIA, PRIMARY, 28, WITH SITUS INVERSUS; KCNT1-Related Epilepsy. Identifiers: Orphanet 98784, MedGen C3554306, MONDO:0014002, OMIM 615005.
Developmental and epileptic encephalopathy, 14 (DEE14). Also called: Early infantile epileptic encephalopathy 14. Identifiers: Orphanet 293181, MedGen C3554195, MONDO:0013989, OMIM 614959.

Submission:

Labcorp Genetics (formerly Invitae), Labcorp
Classification: Uncertain significance for Autosomal dominant nocturnal frontal lobe epilepsy 5; Developmental and epileptic encephalopathy, 14. Last evaluated: 2018-07-11. Review status: criteria provided, single submitter. Criteria: Invitae Variant Classification Sherloc (09022015). Collection method: clinical testing. Allele origin: germline.
Comment: In summary, the available evidence is currently insufficient to determine the role of this variant in disease. Therefore, it has been classified as a Variant of Uncertain Significance. The current clinical and genetic evidence is not sufficient to establish whether loss-of-function variants in KCNT1 cause disease. This variant has not been reported in the literature in individuals with KCNT1-related disease. This variant is an out-of-frame deletion of the genomic region encompassing exons 20-29 of the KCNT1 gene. This is expected to create a premature translational stop signal and result in an absent or disrupted protein product.